The following is an entry in ClinVar:

NM_001909.5(CTSD):c.52G>A (p.Ala18Thr)

Gene: CTSD (cathepsin D; minus strand). Cytogenetic location: 11p15.5.
Variant type: single nucleotide variant.
Coding change: c.52G>A on transcript NM_001909.5 (MANE Select); coding-DNA position 52, G replaced by A.
Protein change: p.Ala18Thr; replaces alanine 18 with threonine.
Molecular consequence: missense variant.
Genome position (GRCh38, 1-based): chr11:1,763,808, C>T on the plus strand (G>A on the coding strand, the complement: CTSD is on the minus strand). VCF-style: chr11-1763808-C-T. GRCh37 (hg19) VCF-style: chr11-1785038-C-T.
Other names: short protein forms A18T.
Identifiers: ClinVar variation 648149 (VCV000648149.8), dbSNP rs796052403, ClinGen allele CA216183654.

ClinVar aggregate classification (germline): Uncertain significance. Review status: criteria provided, multiple submitters, no conflicts (2 of 4 stars). 3 submissions from 3 submitters: Uncertain significance (3). Last evaluated 2024-08-08.

Conditions:
Neuronal ceroid lipofuscinosis. Also called: Neuronal Ceroid Lipofuscinoses. Identifiers: Orphanet 216, Orphanet 79263, MedGen C0027877, MONDO:0016295. Disease mechanism: loss of function.
Inborn genetic diseases. Identifiers: MedGen C0950123, MeSH D030342.

Allele frequency attached by ClinVar (database versions not stated): gnomAD exomes 0.00002; TOPMed 0.00002.
gnomAD v4.1: 47 of 1,525,966 alleles (0.0031%); highest among the groups gnomAD compares: Non-Finnish European, 0.0039%; no homozygotes.

Submissions (3):

GeneDx
Classification: Uncertain significance. Last evaluated: 2024-08-08. Review status: criteria provided, single submitter. Criteria: GeneDx Variant Classification Process June 2021. Collection method: clinical testing. Allele origin: germline. Affected: yes.
Comment: Not observed at significant frequency in large population cohorts (gnomAD); In silico analysis indicates that this missense variant does not alter protein structure/function; Has not been previously published as pathogenic or benign to our knowledge

Ambry Genetics
Classification: Uncertain significance for Inborn genetic diseases. Last evaluated: 2023-07-05. Review status: criteria provided, single submitter. Criteria: Ambry Variant Classification Scheme 2023. Collection method: clinical testing. Allele origin: germline.

Labcorp Genetics (formerly Invitae), Labcorp
Classification: Uncertain significance for Neuronal ceroid lipofuscinosis. Last evaluated: 2022-04-24. Review status: criteria provided, single submitter. Criteria: Invitae Variant Classification Sherloc (09022015). Collection method: clinical testing. Allele origin: germline.
Comment: This sequence change replaces alanine, which is neutral and non-polar, with threonine, which is neutral and polar, at codon 18 of the CTSD protein (p.Ala18Thr). The frequency data for this variant in the population databases is considered unreliable, as metrics indicate poor data quality at this position in the gnomAD database. This variant has not been reported in the literature in individuals affected with CTSD-related conditions. ClinVar contains an entry for this variant (Variation ID: 648149). Algorithms developed to predict the effect of missense changes on protein structure and function output the following: SIFT: "Tolerated"; PolyPhen-2: "Not Available"; Align-GVGD: "Class C0". The threonine amino acid residue is found in multiple mammalian species, which suggests that this missense change does not adversely affect protein function. In summary, the available evidence is currently insufficient to determine the role of this variant in disease. Therefore, it has been classified as a Variant of Uncertain Significance.